The following is an entry in ClinVar:

NM_003482.4(KMT2D):c.1731_1757del (p.578ESPMSPPPE[1])

Gene: KMT2D (lysine methyltransferase 2D; minus strand). Cytogenetic location: 12q13.12.
Variant type: Deletion.
Coding change: c.1731_1757del on transcript NM_003482.4 (MANE Select); coding-DNA positions 1731 to 1757, 27 bases deleted (GGAGTCACCCATGTCCCCTCCACCTGA).
Protein change: p.578ESPMSPPPE[1].
Molecular consequence: inframe deletion. On other transcripts: inframe indel (1).
Genome position (GRCh38, 1-based): chr12:49,051,926-49,051,952, TCAGGTGGAGGGGACATGGGTGACTCC deleted on the plus strand (GGAGTCACCCATGTCCCCTCCACCTGA on the coding strand, the reverse complement: KMT2D is on the minus strand); deleting any 27 consecutive bases within chr12:49,051,926-49,051,960 gives the same sequence; the c. name uses the placement nearest the transcript's 3' end. VCF-style (leftmost placement, unchanged base first): chr12-49051925-TTCAGGTGGAGGGGACATGGGTGACTCC-T. GRCh37 (hg19) VCF-style: chr12-49445708-TTCAGGTGGAGGGGACATGGGTGACTCC-T.
Other names: c.1731_1757del27 (NM_003482.3).
Identifiers: ClinVar variation 4993066 (VCV004993066.1).

ClinVar aggregate classification (germline): Uncertain significance (1 of 4 stars; one submission).

Conditions:
KMT2D-related disorder. Also called: KMT2D-Related Disorders.

Submission:

PreventionGenetics, part of Exact Sciences
Classification: Uncertain significance for KMT2D-related condition. Last evaluated: 2026-06-25. Review status: criteria provided, single submitter. Criteria: ACMG Guidelines, 2015. Collection method: clinical testing. Allele origin: germline.
Comment: The KMT2D c.1731_1757del27 variant is predicted to result in an in-frame deletion (p.Glu587_Glu595del). To our knowledge, this variant has not been reported in the literature. This variant is reported in 0.0033% of alleles in individuals of South Asian descent in gnomAD. At this time, the clinical significance of this variant is uncertain due to the absence of conclusive functional and genetic evidence.